The following is an entry in ClinVar:

NM_000043.6(FAS):c.*436C>T

Gene: FAS (Fas cell surface death receptor; plus strand). Cytogenetic location: 10q23.31.
Variant type: single nucleotide variant.
Coding change: c.*436C>T on transcript NM_000043.6 (MANE Select); 436 bases downstream of the stop codon, C replaced by T.
Molecular consequence: 3 prime UTR variant. On other transcripts: non-coding transcript variant (7).
Genome position (GRCh38, 1-based): chr10:89,014,886, C>T. VCF-style: chr10-89014886-C-T. GRCh37 (hg19) VCF-style: chr10-90774643-C-T.
Other names: c.*767C>T (NM_001320619.2); c.*436C>T (NM_152871.4); c.*756C>T (NM_152872.4).
Identifiers: ClinVar variation 878093 (VCV000878093.4), dbSNP rs143388574, ClinGen allele CA5593269.

ClinVar aggregate classification (germline): Likely benign (1 of 4 stars; one submission).

Conditions:
Autoimmune lymphoproliferative syndrome type 1. Also called: AUTOIMMUNE LYMPHOPROLIFERATIVE SYNDROME, TYPE I, AUTOSOMAL DOMINANT. Identifiers: Orphanet 3261, MedGen C2717884, MONDO:0011158, OMIM 601859.

Allele frequency attached by ClinVar (database versions not stated): ExAC 0.00009; gnomAD 0.00118 and 0.00132; 1000 Genomes Project 30x 0.00078; 1000 Genomes Project 0.00080; TOPMed 0.00137; gnomAD exomes 0.00024.
gnomAD v4.1: 241 of 536,352 alleles (0.045%); highest among the groups gnomAD compares: African/African-American, 0.4%; 2 homozygotes.

Submission:

Illumina Laboratory Services, Illumina
Classification: Likely benign for Autoimmune lymphoproliferative syndrome type 1. Last evaluated: 2018-01-13. Review status: criteria provided, single submitter. Criteria: ICSL Variant Classification Criteria 13 December 2019. Collection method: clinical testing. Allele origin: germline.
Comment: This variant was observed in the ICSL laboratory as part of a predisposition screen in an ostensibly healthy population. It had not been previously curated by ICSL or reported in the Human Gene Mutation Database (HGMD: prior to June 1st, 2018), and was therefore a candidate for classification through an automated scoring system. Utilizing variant allele frequency, disease prevalence and penetrance estimates, and inheritance mode, an automated score was calculated to assess if this variant is too frequent to cause the disease. Based on the score and internal cut-off values, a variant classified as likely benign is not then subjected to further curation. The score for this variant resulted in a classification of likely benign for this disease.